The following is an entry in ClinVar:

ClinVar aggregate classification (germline): Uncertain significance (0 of 4 stars; one submission).

Conditions:
CDK8-related disorder. Also called: CDK8-related condition.

Allele frequency attached by ClinVar (database versions not stated): TOPMed below 0.00001.

Submission:

PreventionGenetics, part of Exact Sciences
Classification: Uncertain significance for CDK8-related condition. Last evaluated: 2023-12-28. Review status: no assertion criteria provided. Collection method: clinical testing. Allele origin: germline.
Comment: The CDK8 c.371C>T variant is predicted to result in the amino acid substitution p.Pro124Leu. To our knowledge, this variant has not been reported in the literature or in a large population database, indicating this variant is rare. At this time, the clinical significance of this variant is uncertain due to the absence of conclusive functional and genetic evidence.

NM_001260.3(CDK8):c.371C>T (p.Pro124Leu)

Gene: CDK8 (cyclin dependent kinase 8; plus strand). Cytogenetic location: 13q12.13.
Variant type: single nucleotide variant.
Coding change: c.371C>T on transcript NM_001260.3 (MANE Select); coding-DNA position 371, C replaced by T.
Protein change: p.Pro124Leu; replaces proline 124 with leucine.
Molecular consequence: missense variant. On other transcripts: 5 prime UTR variant (1).
Genome position (GRCh38, 1-based): chr13:26,353,795, C>T. VCF-style: chr13-26353795-C-T. GRCh37 (hg19) VCF-style: chr13-26927932-C-T.
Other names: c.371C>T, p.Pro124Leu (NM_001318368.2); c.-91C>T (NM_001346501.2); short protein forms P124L.
Identifiers: ClinVar variation 3029002 (VCV003029002.2), dbSNP rs1234935912, ClinGen allele CA387683791.